The following is an entry in ClinVar:

ClinVar aggregate classification (germline): Benign. Review status: reviewed by expert panel (3 of 4 stars). 18 submissions from 18 submitters: Benign (1). 17 of the submissions do not count toward it. Last evaluated 2024-06-25.

Conditions:
VHL-related disorder. Also called: VHL-related condition.
Chuvash polycythemia. Also called: POLYCYTHEMIA, VHL-DEPENDENT. Identifiers: Orphanet 238557, MedGen C1837915, MONDO:0009892, OMIM 263400.
Von Hippel-Lindau syndrome (VHLS). Also called: von Hippel–Lindau syndrome; Von Hippel-Lindau; VHL syndrome. Identifiers: Orphanet 892, MedGen C0019562, MONDO:0008667, OMIM 193300. Disease mechanism: loss of function.
Hereditary cancer-predisposing syndrome. Also called: Tumor predisposition; Neoplastic Syndromes, Hereditary; Hereditary neoplastic syndrome; Hereditary Cancer Syndrome. Identifiers: Orphanet 140162, MedGen C0027672, MeSH D009386, MONDO:0015356.
Enchondromatosis. Also called: Multiple cartilaginous enchondroses; Multiple enchondromatosis; ENCHONDROMATOSIS, MULTIPLE, OLLIER TYPE; DYSCHONDROPLASIA; Ollier disease. Identifiers: Orphanet 296, MedGen C0014084, MONDO:0008145, OMIM 166000, HP:0005701.
Hepatoblastoma. Identifiers: Orphanet 449, MedGen C0206624, MONDO:0018666, HP:0002884.

Allele frequency attached by ClinVar (database versions not stated): ESP Exome Variant Server 0.00024; TOPMed 0.00032; 1000 Genomes Project 0.00040; 1000 Genomes Project 30x 0.00047.

Submissions (18):

ClinGen VHL Variant Curation Expert Panel, ClinGen
Classification: Benign for Von Hippel-Lindau syndrome. Last evaluated: 2024-06-25. Review status: reviewed by expert panel. Criteria: ClinGen VHL VCEP ACMG Specifications VHL V1. Collection method: curation. Allele origin: germline. Inheritance: Autosomal dominant inheritance.
Comment: The variant NM_000551.3(VHL):c.154G>A (p.Glu52Lys) is a missense variant in the first exon of the VHL gene. The GroupMax Filtering Allele Frequency (95% CI) in gnomAD v4.1.0 is 0.0008611 (78/74388 from African/African American Population). This is higher than the ClinGen VHL VCEP threshold of >=0.000156 (0.0156%) threshold expected for VHL disease (BA1) and is classified as Benign for autosomal-dominant von Hippel-Lindau disease (VHL disease) based on the ACMG/AMP criteria applied, as specified by the ClinGen VHL VCEP Version 1.0 (Specifications approval date: 02/26/2024. Variant Approval Date 06/25/2024).

Labcorp Genetics (formerly Invitae), Labcorp
Classification: Likely benign for Von Hippel-Lindau syndrome; Chuvash polycythemia. Last evaluated: 2026-02-03. Review status: criteria provided, single submitter. Criteria: Invitae Variant Classification Sherloc (09022015). Collection method: clinical testing. Allele origin: germline. Not counted in ClinVar's aggregate classification.

Center for Genomic Medicine, Rigshospitalet, Copenhagen University Hospital
Classification: Benign. Last evaluated: 2025-12-29. Review status: criteria provided, single submitter. Criteria: ACMG Guidelines, 2015. Collection method: clinical testing. Allele origin: germline. Not counted in ClinVar's aggregate classification.
Comment: Classification criteria: BA1

PreventionGenetics, part of Exact Sciences
Classification: Likely benign for VHL-related condition. Last evaluated: 2025-01-30. Review status: criteria provided, single submitter. Criteria: ACMG Guidelines, 2015. Collection method: clinical testing. Allele origin: germline. Not counted in ClinVar's aggregate classification.
Comment: This variant is classified as likely benign based on ACMG/AMP sequence variant interpretation guidelines (Richards et al. 2015 PMID: 25741868, with internal and published modifications).

Blueprint Genetics
Classification: Likely benign. Last evaluated: 2024-10-09. Review status: criteria provided, single submitter. Criteria: ACMG Guidelines, 2015. Collection method: clinical testing. Allele origin: germline. Not counted in ClinVar's aggregate classification.

Myriad Genetics, Inc.
Classification: Likely benign for Von Hippel-Lindau syndrome. Last evaluated: 2024-08-06. Review status: criteria provided, single submitter. Criteria: Myriad Autosomal Dominant, Autosomal Recessive and X-Linked Classification Criteria (2023). Collection method: clinical testing. Allele origin: unknown. Not counted in ClinVar's aggregate classification.
Comment: This variant is considered likely benign. This variant has been observed at a population frequency that is significantly greater than expected given the associated disease prevalence and penetrance.

Revvity Omics, Revvity
Classification: Uncertain significance. Last evaluated: 2024-05-07. Review status: criteria provided, single submitter. Criteria: ACMG Guidelines, 2015. Collection method: clinical testing. Allele origin: germline. Not counted in ClinVar's aggregate classification.

Color Diagnostics, LLC DBA Color Health
Classification: Uncertain significance for Von Hippel-Lindau syndrome. Last evaluated: 2023-11-20. Review status: criteria provided, single submitter. Criteria: ACMG Guidelines, 2015. Collection method: clinical testing. Allele origin: germline. Not counted in ClinVar's aggregate classification.
Comment: This missense variant replaces glutamic acid with lysine at codon 52 of the VHL protein. Computational prediction is inconclusive regarding the impact of this variant on protein structure and function (internally defined REVEL score threshold 0.5 < inconclusive < 0.7, PMID: 27666373). To our knowledge, functional studies have not been reported for this variant. This variant has been reported in families and individuals affected with Von Hippel-Lindau disease (PMID: 12202531, 15300849). This variant has been identified in 19/222880 chromosomes in the general population by the Genome Aggregation Database (gnomAD). The available evidence is insufficient to determine the role of this variant in disease conclusively. Therefore, this variant is classified as a Variant of Uncertain Significance.

Mendelics
Classification: Benign for Von Hippel-Lindau syndrome. Last evaluated: 2023-08-22. Review status: criteria provided, single submitter. Criteria: Mendelics Assertion Criteria 2019. Collection method: clinical testing. Allele origin: germline. Not counted in ClinVar's aggregate classification.

CeGaT Center for Human Genetics Tuebingen
Classification: Uncertain significance. Last evaluated: 2023-06-01. Review status: criteria provided, single submitter. Criteria: CeGaT Center For Human Genetics Tuebingen Variant Classification Criteria Version 2. Collection method: clinical testing. Allele origin: germline. Affected: yes. Observed: 1 variant allele. Not counted in ClinVar's aggregate classification.
Comment: VHL: PS4:Moderate

St. Jude Molecular Pathology, St. Jude Children's Research Hospital
Classification: Uncertain significance for Von Hippel-Lindau syndrome. Last evaluated: 2022-06-20. Review status: criteria provided, single submitter. Criteria: St. Jude Assertion Criteria 2020. Collection method: clinical testing. Allele origin: germline. Not counted in ClinVar's aggregate classification.
Comment: The VHL c.154G>A (p.Glu52Lys) missense change has a maximum subpopulation frequency of 0.075% in gnomAD v2.1.1. The in silico tool REVEL is inconclusive about a pathogenic or benign effect of this variant on protein function, and to our knowledge functional studies have not been performed. This variant has been reported in an individual with Von Hippel-Lindau disease (PMID: 12202531). In summary, the evidence currently available is insufficient to determine the role of this variant in disease. It has therefore been classified as of uncertain significance.

Sema4
Classification: Likely benign for Hereditary cancer-predisposing syndrome. Last evaluated: 2021-06-18. Review status: criteria provided, single submitter. Criteria: Sema4 Curation Guidelines. Collection method: curation. Allele origin: germline. Not counted in ClinVar's aggregate classification.

GeneDx
Classification: Likely benign. Last evaluated: 2021-03-05. Review status: criteria provided, single submitter. Criteria: GeneDx Variant Classification Process June 2021. Collection method: clinical testing. Allele origin: germline. Affected: yes. Not counted in ClinVar's aggregate classification.
Comment: This variant is associated with the following publications: (PMID: 11257211, 25637381, 27651169, 26211615, 9829912, 24138046, 12202531, 24055113, 21463266, 15300849, 18836774, 19574279, 18416845)

Ambry Genetics
Classification: Likely benign for Hereditary cancer-predisposing syndrome. Last evaluated: 2018-04-26. Review status: criteria provided, single submitter. Criteria: Ambry Variant Classification Scheme 2023. Collection method: clinical testing. Allele origin: germline. Not counted in ClinVar's aggregate classification.

CSER _CC_NCGL, University of Washington
Classification: Uncertain significance for Von Hippel-Lindau syndrome. Last evaluated: 2014-06-01. Review status: criteria provided, single submitter. Criteria: Amendola et al. (Genome Res. 2015). Collection method: research. Allele origin: germline. Inheritance: Autosomal dominant inheritance. Study: ESP 6500 variant annotation. Not counted in ClinVar's aggregate classification.
Comment: Low GERP score may suggest that this variant may belong in a lower pathogenicity class

Variants classified for the Actionable exomic incidental findings in 6503 participants: challenges of variant classification manuscript

Counsyl
Classification: Uncertain significance for Von Hippel-Lindau syndrome. Last evaluated: 2017-11-20. Review status: no assertion criteria provided. Collection method: clinical testing. Allele origin: unknown. Not counted in ClinVar's aggregate classification.

Baylor-Hopkins Center for Mendelian Genomics, Johns Hopkins University School of Medicine
Classification: Likely pathogenic for Enchondromatosis. Review status: flagged submission. Criteria: ACMG Guidelines, 2015. Collection method: research. Allele origin: unknown. Affected: yes. Observed: 1 heterozygote. Not counted in ClinVar's aggregate classification.
ClinVar note: Reason: Outlier claim with insufficient supporting evidence

Molecular Oncology -  Human Genetics Lab, University of Sao Paulo
Classification: Likely pathogenic for Hepatoblastoma. Review status: flagged submission. Collection method: research. Allele origin: germline. Affected: yes. Not counted in ClinVar's aggregate classification.
ClinVar note: Reason: Outlier claim with insufficient supporting evidence

Literature cited by the submitters: PubMed 12202531 (cited by 4 submitters); PubMed 15300849 (cited by 3 submitters); PubMed 9829912 (cited by 3 submitters); PubMed 10612827 (cited by Ambry Genetics); PubMed 11257211 (cited by Ambry Genetics); PubMed 19574279 (cited by Ambry Genetics); PubMed 24055113 (cited by Ambry Genetics); PubMed 25637381 (cited by Ambry Genetics and Counsyl); PubMed 26211615 (cited by Ambry Genetics and Counsyl).

NM_000551.4(VHL):c.154G>A (p.Glu52Lys)

Gene: VHL (von Hippel-Lindau tumor suppressor; plus strand). Cytogenetic location: 3p25.3.
Variant type: single nucleotide variant.
Coding change: c.154G>A on transcript NM_000551.4 (MANE Select); coding-DNA position 154, G replaced by A.
Protein change: p.Glu52Lys; replaces glutamic acid 52 with lysine.
Molecular consequence: missense variant.
Genome position (GRCh38, 1-based): chr3:10,142,001, G>A. VCF-style: chr3-10142001-G-A. GRCh37 (hg19) VCF-style: chr3-10183685-G-A.
Other names: NM_000551.4(VHL):c.154G>A; c.154G>A, p.Glu52Lys (NM_001354723.2, NM_198156.3); short protein forms E52K.
Identifiers: ClinVar variation 161402 (VCV000161402.61), dbSNP rs373068386, ClinGen allele CA020056.
Genomic context (GRCh38, chr3:10,142,001, plus strand): 5'-GAGTCGGGCGCCGAGGAGTCCGGCCCGGAAGAGTCCGGCCCGGAGGAACTGGGCGCCGAG[G>A]AGGAGATGGAGGCCGGGCGGCCGCGGCCCGTGCTGCGCTCGGTGAACTCGCGCGAGCCCT-3'
Protein context (NP_000542.1, residues 42-62): ESGPEELGAE[Glu52Lys]EMEAGRPRPV